The following is an entry in ClinVar:

NM_152618.3(BBS12):c.1827C>G (p.Tyr609Ter)

Gene: BBS12 (Bardet-Biedl syndrome 12; plus strand). Cytogenetic location: 4q27.
Variant type: single nucleotide variant.
Coding change: c.1827C>G on transcript NM_152618.3 (MANE Select); coding-DNA position 1827, C replaced by G.
Protein change: p.Tyr609Ter; replaces tyrosine 609 with a stop codon.
Molecular consequence: nonsense.
Genome position (GRCh38, 1-based): chr4:122,743,719, C>G. VCF-style: chr4-122743719-C-G. GRCh37 (hg19) VCF-style: chr4-123664874-C-G.
Other names: c.1827C>G, p.Tyr609Ter (NM_001178007.2); short protein forms Y609*.
Identifiers: ClinVar variation 1069432 (VCV001069432.5), dbSNP rs1800933874, ClinGen allele CA358225962.

ClinVar aggregate classification (germline): Pathogenic (1 of 4 stars; one submission).

Conditions:
Bardet-Biedl syndrome (BBS). Identifiers: Orphanet 110, MedGen C0752166, MONDO:0015229.

gnomAD v4.1: 2 of 1,614,198 alleles (0.00012%); highest among the groups gnomAD compares: Non-Finnish European, 0.00017%; no homozygotes.

Submission:

Labcorp Genetics (formerly Invitae), Labcorp
Classification: Pathogenic for Bardet-Biedl syndrome. Last evaluated: 2020-03-29. Review status: criteria provided, single submitter. Criteria: Invitae Variant Classification Sherloc (09022015). Collection method: clinical testing. Allele origin: germline.
Comment: This sequence change results in a premature translational stop signal in the BBS12 gene (p.Tyr609*). While this is not anticipated to result in nonsense mediated decay, it is expected to disrupt the last 102 amino acids of the BBS12 protein. This variant is not present in population databases (ExAC no frequency). This variant has not been reported in the literature in individuals with BBS12-related conditions. This variant disrupts the C-terminus of the BBS12 protein. Other variant(s) that disrupt this region (p.Arg675*) have been determined to be pathogenic (PMID: 20827784, 21642631). This suggests that variants that disrupt this region of the protein are likely to be causative of disease. For these reasons, this variant has been classified as Pathogenic.

Literature cited by the submitters: PubMed 20827784; PubMed 21642631.